The following is an entry in ClinVar:

ClinVar aggregate classification (germline): Benign (1 of 4 stars; one submission).

Conditions:
Hereditary diffuse leukoencephalopathy with spheroids. Also called: LEUKOENCEPHALOPATHY, ADULT-ONSET, WITH AXONAL SPHEROIDS AND PIGMENTED GLIA. Identifiers: Orphanet 313808, MedGen C3711381, MONDO:0030796.

Allele frequency attached by ClinVar (database versions not stated): gnomAD 0.08920 and 0.09042; 1000 Genomes Project 30x 0.11384; 1000 Genomes Project 0.11601; gnomAD exomes 0.06753; TOPMed 0.09465.
gnomAD v4.1: 19,689 of 243,734 alleles (8.1%); highest among the groups gnomAD compares: East Asian, 18%; 1,210 homozygotes.

Submission:

Illumina Laboratory Services, Illumina
Classification: Benign for Leukoencephalopathy, diffuse hereditary, with spheroids 1. Last evaluated: 2018-01-13. Review status: criteria provided, single submitter. Criteria: ICSL Variant Classification Criteria 13 December 2019. Collection method: clinical testing. Allele origin: germline.
Comment: This variant was observed in the ICSL laboratory as part of a predisposition screen in an ostensibly healthy population. It had not been previously curated by ICSL or reported in the Human Gene Mutation Database (HGMD: prior to June 1st, 2018), and was therefore a candidate for classification through an automated scoring system. Utilizing variant allele frequency, disease prevalence and penetrance estimates, and inheritance mode, an automated score was calculated to assess if this variant is too frequent to cause the disease. Based on the score and internal cut-off values, a variant classified as benign is not then subjected to further curation. The score for this variant resulted in a classification of benign for this disease.

NM_001288705.3(CSF1R):c.*512T>C

Gene: CSF1R (colony stimulating factor 1 receptor; minus strand). Cytogenetic location: 5q32.
Variant type: single nucleotide variant.
Coding change: c.*512T>C on transcript NM_001288705.3 (MANE Select); 512 bases downstream of the stop codon, T replaced by C.
Molecular consequence: 3 prime UTR variant. On other transcripts: non-coding transcript variant (2).
Genome position (GRCh38, 1-based): chr5:150,053,557, A>G on the plus strand (T>C on the coding strand, the complement: CSF1R is on the minus strand). VCF-style: chr5-150053557-A-G. GRCh37 (hg19) VCF-style: chr5-149433120-A-G.
Other names: c.*512T>C (NM_001349736.2, NM_001375320.1, NM_001375321.1 and 1 more transcripts).
Identifiers: ClinVar variation 352107 (VCV000352107.5), dbSNP rs13117, ClinGen allele CA10623680.